The following is an entry in ClinVar:

ClinVar aggregate classification (germline): Benign. Review status: criteria provided, multiple submitters, no conflicts (2 of 4 stars). 2 submissions from 2 submitters: Benign (2). Last evaluated 2026-01-05.

Conditions:
Autosomal recessive omodysplasia (OMOD1). Also called: MICROMELIC DYSPLASIA, CONGENITAL, WITH DISLOCATION OF RADIUS. Identifiers: Orphanet 2733, Orphanet 93329, MedGen C1850318, MONDO:0009779, OMIM 258315.

Allele frequency attached by ClinVar (database versions not stated): ESP Exome Variant Server 0.00008; gnomAD 0.00009 and 0.00113; TOPMed 0.00027; gnomAD exomes 0.00355; ExAC 0.00420; 1000 Genomes Project 30x 0.00750; 1000 Genomes Project 0.00799.
gnomAD v4.1: 2,985 of 1,614,114 alleles (0.18%); highest among the groups gnomAD compares: South Asian, 2.9%; 60 homozygotes.

Submissions (2):

Labcorp Genetics (formerly Invitae), Labcorp
Classification: Benign. Last evaluated: 2026-01-05. Review status: criteria provided, single submitter. Criteria: Invitae Variant Classification Sherloc (09022015). Collection method: clinical testing. Allele origin: germline.

Illumina Laboratory Services, Illumina
Classification: Benign for Autosomal recessive omodysplasia. Last evaluated: 2018-01-13. Review status: criteria provided, single submitter. Criteria: ICSL Variant Classification Criteria 13 December 2019. Collection method: clinical testing. Allele origin: germline.
Comment: This variant was observed in the ICSL laboratory as part of a predisposition screen in an ostensibly healthy population. It had not been previously curated by ICSL or reported in the Human Gene Mutation Database (HGMD: prior to June 1st, 2018), and was therefore a candidate for classification through an automated scoring system. Utilizing variant allele frequency, disease prevalence and penetrance estimates, and inheritance mode, an automated score was calculated to assess if this variant is too frequent to cause the disease. Based on the score and internal cut-off values, a variant classified as benign is not then subjected to further curation. The score for this variant resulted in a classification of benign for this disease.

NM_005708.5(GPC6):c.1272C>T (p.Asn424=)

Gene: GPC6 (glypican 6; plus strand). Cytogenetic location: 13q31.3.
Variant type: single nucleotide variant.
Coding change: c.1272C>T on transcript NM_005708.5 (MANE Select); coding-DNA position 1272, C replaced by T.
Protein change: p.Asn424=; no amino-acid change (asparagine 424 retained).
Molecular consequence: synonymous variant.
Genome position (GRCh38, 1-based): chr13:94,382,533, C>T. VCF-style: chr13-94382533-C-T. GRCh37 (hg19) VCF-style: chr13-95034787-C-T.
Identifiers: ClinVar variation 312549 (VCV000312549.15), dbSNP rs200389469, ClinGen allele CA7017136.